The following is an entry in ClinVar:

ClinVar aggregate classification (germline): Pathogenic (1 of 4 stars; one submission).

Conditions:
Argininosuccinate lyase deficiency. Also called: ARGININOSUCCINIC ACID LYASE DEFICIENCY; ASL DEFICIENCY; Argininosuccinic aciduria. Identifiers: Orphanet 23, MedGen C0268547, MONDO:0008815, OMIM 207900, HP:0025630.

Submission:

Myriad Genetics, Inc.
Classification: Pathogenic for Argininosuccinate lyase deficiency. Last evaluated: 2023-11-17. Review status: criteria provided, single submitter. Criteria: Myriad Autosomal Dominant, Autosomal Recessive and X-Linked Classification Criteria (2023). Collection method: clinical testing. Allele origin: unknown.
Comment: NM_001024943.1(ASL):c.286_288del3ins10(L96Tfs*4) is expected to be pathogenic in the context of argininosuccinic aciduria. This variant is predicted to lead to an abnormal or absent protein product due to the creation of a premature termination codon in ASL, a gene where loss-of-function variants are known to be pathogenic. Please note: this variant was assessed in the context of healthy population screening.

NM_000048.4(ASL):c.286_288delinsACTGTCTCTT (p.Leu96fs)

Gene: ASL (argininosuccinate lyase; plus strand). Cytogenetic location: 7q11.21.
Variant type: Indel.
Coding change: c.286_288delinsACTGTCTCTT on transcript NM_000048.4 (MANE Select); coding-DNA positions 286 to 288, CTG replaced by ACTGTCTCTT.
Protein change: p.Leu96fs; shifts the reading frame from leucine 96.
Molecular consequence: frameshift variant.
Genome position (GRCh38, 1-based): chr7:66,082,446-66,082,448, CTG replaced by ACTGTCTCTT. VCF-style: chr7-66082446-CTG-ACTGTCTCTT. GRCh37 (hg19) VCF-style: chr7-65547433-CTG-ACTGTCTCTT.
Other names: c.286_288delinsACTGTCTCTT, p.Leu96fs (NM_001024943.2, NM_001024944.2, NM_001024946.2); short protein forms L96fs.
Identifiers: ClinVar variation 5012493 (VCV005012493.1).